The following is an entry in ClinVar:

ClinVar aggregate classification (germline): Benign (3 of 4 stars; one submission).

Conditions:
Breast-ovarian cancer, familial, susceptibility to, 1 (BROVCA1). Also called: BRCA1 Hereditary Breast and Ovarian Cancer; OVARIAN CANCER, SUSCEPTIBILITY TO. Identifiers: Orphanet 145, MedGen C2676676, MONDO:0011450, OMIM 604370. Disease mechanism: loss of function.

Allele frequency attached by ClinVar (database versions not stated): 1000 Genomes Project 0.00958; TOPMed 0.00966; 1000 Genomes Project 30x 0.01046.
gnomAD v4.1: 1,230 of 151,404 alleles (0.81%); highest among the groups gnomAD compares: African/African-American, 2.8%; 16 homozygotes.

Submission:

Evidence-based Network for the Interpretation of Germline Mutant Alleles (ENIGMA)
Classification: Benign for Breast-ovarian cancer, familial 1. Last evaluated: 2015-01-12. Review status: reviewed by expert panel. Criteria: ENIGMA BRCA1/2 Classification Criteria (2015). Collection method: curation. Allele origin: germline.
Comment: Class 1 not pathogenic based on frequency >1% in an outbred sampleset. Frequency 0.06504 (African), derived from 1000 genomes (2012-04-30).

NM_007294.4(BRCA1):c.5194-475G>T

Gene: BRCA1 (BRCA1 DNA repair associated; minus strand). Cytogenetic location: 17q21.31.
Variant type: single nucleotide variant.
Coding change: c.5194-475G>T on transcript NM_007294.4 (MANE Select); 475 bases into the intron before coding-DNA position 5194, G replaced by T.
Molecular consequence: intron variant.
Genome position (GRCh38, 1-based): chr17:43,057,610, C>A on the plus strand (G>T on the coding strand, the complement: BRCA1 is on the minus strand). VCF-style: chr17-43057610-C-A. GRCh37 (hg19) VCF-style: chr17-41209627-C-A.
Other names: IVS 19-475G>T; c.1741-475G>T (NM_001408458.1, NM_001408461.1, NM_001408464.1 and 7 more transcripts); c.4303-475G>T (NM_001407967.1); c.4813-475G>T (NM_001407959.1); c.4927-475G>T (NM_001407931.1, NM_001407932.1, NM_001407928.1 and 4 more transcripts); c.5050-475G>T (NM_001407747.1, NM_001407745.1, NM_001407737.1 and 21 more transcripts); c.4810-475G>T (NM_001407962.1, NM_001407960.1); c.1381-475G>T (NM_001408512.1); and 73 more.
Identifiers: ClinVar variation 209293 (VCV000209293.2), dbSNP rs8176280, ClinGen allele CA276265.